The following is an entry in ClinVar:

ClinVar aggregate classification (germline): Uncertain significance (1 of 4 stars; one submission).

Allele frequency attached by ClinVar (database versions not stated): gnomAD exomes 0.00001; ExAC 0.00002.

Submission:

Labcorp Genetics (formerly Invitae), Labcorp
Classification: Uncertain significance. Last evaluated: 2022-03-06. Review status: criteria provided, single submitter. Criteria: Invitae Variant Classification Sherloc (09022015). Collection method: clinical testing. Allele origin: germline.
Comment: In summary, the available evidence is currently insufficient to determine the role of this variant in disease. Therefore, it has been classified as a Variant of Uncertain Significance. Algorithms developed to predict the effect of missense changes on protein structure and function (SIFT, PolyPhen-2, Align-GVGD) all suggest that this variant is likely to be disruptive. This variant has not been reported in the literature in individuals affected with DNASE1L3-related conditions. This variant is present in population databases (rs766863381, gnomAD 0.003%). This sequence change replaces arginine, which is basic and polar, with histidine, which is basic and polar, at codon 206 of the DNASE1L3 protein (p.Arg206His).

NM_004944.4(DNASE1L3):c.617G>A (p.Arg206His)

Gene: DNASE1L3 (deoxyribonuclease 1L3; minus strand). Cytogenetic location: 3p14.3.
Variant type: single nucleotide variant.
Coding change: c.617G>A on transcript NM_004944.4 (MANE Select); coding-DNA position 617, G replaced by A.
Protein change: p.Arg206His; replaces arginine 206 with histidine.
Molecular consequence: missense variant.
Genome position (GRCh38, 1-based): chr3:58,197,908, C>T on the plus strand (G>A on the coding strand, the complement: DNASE1L3 is on the minus strand). VCF-style: chr3-58197908-C-T. GRCh37 (hg19) VCF-style: chr3-58183635-C-T.
Other names: c.527G>A, p.Arg176His (NM_001256560.2); short protein forms R176H, R206H.
Identifiers: ClinVar variation 1927438 (VCV001927438.3), dbSNP rs766863381, ClinGen allele CA2469908.